The following is an entry in ClinVar:

ClinVar aggregate classification (germline): Benign/Likely benign. Review status: criteria provided, multiple submitters, no conflicts (2 of 4 stars). 5 submissions from 5 submitters: Benign (1); Likely benign (4). Last evaluated 2025-07-30.

Conditions:
Hereditary cancer-predisposing syndrome. Also called: Hereditary Cancer Syndrome; Neoplastic Syndromes, Hereditary; Tumor predisposition; Hereditary neoplastic syndrome. Identifiers: Orphanet 140162, MedGen C0027672, MeSH D009386, MONDO:0015356.
Familial cancer of breast. Also called: Hereditary breast cancer; BREAST CANCER, FAMILIAL; hereditary breast carcinoma. Identifiers: Orphanet 227535, MedGen C0346153, MONDO:0016419, OMIM 114480. Disease mechanism: loss of function.

Allele frequency attached by ClinVar (database versions not stated): TOPMed 0.00002.

Submissions (5):

Labcorp Genetics (formerly Invitae), Labcorp
Classification: Likely benign for Familial cancer of breast. Last evaluated: 2025-07-30. Review status: criteria provided, single submitter. Criteria: Invitae Variant Classification Sherloc (09022015). Collection method: clinical testing. Allele origin: germline.

Myriad Genetics, Inc.
Classification: Benign for Familial cancer of breast. Last evaluated: 2024-07-26. Review status: criteria provided, single submitter. Criteria: Myriad Autosomal Dominant, Autosomal Recessive and X-Linked Classification Criteria (2023). Collection method: clinical testing. Allele origin: unknown.
Comment: This variant is considered benign. This variant is a silent/synonymous amino acid change and it is not expected to impact splicing.

Women's Health and Genetics/Laboratory Corporation of America, LabCorp
Classification: Likely benign. Last evaluated: 2023-03-10. Review status: criteria provided, single submitter. Criteria: LabCorp Variant Classification Summary - May 2015. Collection method: clinical testing. Allele origin: germline.

Ambry Genetics
Classification: Likely benign for Hereditary cancer-predisposing syndrome. Last evaluated: 2018-07-18. Review status: criteria provided, single submitter. Criteria: Ambry Variant Classification Scheme 2023. Collection method: clinical testing. Allele origin: germline.

Color Diagnostics, LLC DBA Color Health
Classification: Likely benign for Hereditary cancer-predisposing syndrome. Last evaluated: 2017-08-11. Review status: criteria provided, single submitter. Criteria: ACMG Guidelines, 2015. Collection method: clinical testing. Allele origin: germline.

NM_000465.4(BARD1):c.1692G>A (p.Gln564=)

Gene: BARD1 (BRCA1 associated RING domain 1; minus strand). Cytogenetic location: 2q35.
Variant type: single nucleotide variant.
Coding change: c.1692G>A on transcript NM_000465.4 (MANE Select); coding-DNA position 1692, G replaced by A.
Protein change: p.Gln564=; no amino-acid change (glutamine 564 retained).
Molecular consequence: synonymous variant. On other transcripts: non-coding transcript variant (3), intron variant (1).
Genome position (GRCh38, 1-based): chr2:214,745,840, C>T on the plus strand (G>A on the coding strand, the complement: BARD1 is on the minus strand). VCF-style: chr2-214745840-C-T. GRCh37 (hg19) VCF-style: chr2-215610564-C-T.
Other names: c.1635G>A, p.Gln545= (NM_001282543.2); c.339G>A, p.Gln113= (NM_001282545.2); c.282G>A, p.Gln94= (NM_001282548.2); c.365-15332G>A (NM_001282549.2).
Identifiers: ClinVar variation 490944 (VCV000490944.19), dbSNP rs1168537193, ClinGen allele CA431145988.